The following is an entry in ClinVar:

ClinVar aggregate classification (germline): Uncertain significance. Review status: criteria provided, multiple submitters, no conflicts (2 of 4 stars). 2 submissions from 2 submitters: Uncertain significance (2). Last evaluated 2025-12-22.

Conditions:
Hereditary cancer-predisposing syndrome. Also called: Hereditary Cancer Syndrome; Tumor predisposition; Neoplastic Syndromes, Hereditary; Hereditary neoplastic syndrome. Identifiers: Orphanet 140162, MedGen C0027672, MeSH D009386, MONDO:0015356.

Submissions (2):

Ambry Genetics
Classification: Uncertain significance for Hereditary cancer-predisposing syndrome. Last evaluated: 2025-12-22. Review status: criteria provided, single submitter. Criteria: Ambry Variant Classification Scheme 2023. Collection method: clinical testing. Allele origin: germline.
Comment: The p.E222K variant (also known as c.664G>A), located in coding exon 5 of the RAD50 gene, results from a G to A substitution at nucleotide position 664. The glutamic acid at codon 222 is replaced by lysine, an amino acid with similar properties. This amino acid position is not well conserved in available vertebrate species. In addition, this alteration is predicted to be tolerated by in silico analysis. Since supporting evidence is limited at this time, the clinical significance of this alteration remains unclear.

Labcorp Genetics (formerly Invitae), Labcorp
Classification: Uncertain significance for Hereditary cancer-predisposing syndrome. Last evaluated: 2023-08-16. Review status: criteria provided, single submitter. Criteria: Invitae Variant Classification Sherloc (09022015). Collection method: clinical testing. Allele origin: germline.
Comment: This sequence change replaces glutamic acid, which is acidic and polar, with lysine, which is basic and polar, at codon 222 of the RAD50 protein (p.Glu222Lys). This variant is not present in population databases (gnomAD no frequency). This variant has not been reported in the literature in individuals affected with RAD50-related conditions. ClinVar contains an entry for this variant (Variation ID: 826535). Advanced modeling of protein sequence and biophysical properties (such as structural, functional, and spatial information, amino acid conservation, physicochemical variation, residue mobility, and thermodynamic stability) performed at Invitae indicates that this missense variant is not expected to disrupt RAD50 protein function. In summary, the available evidence is currently insufficient to determine the role of this variant in disease. Therefore, it has been classified as a Variant of Uncertain Significance.

NM_005732.4(RAD50):c.664G>A (p.Glu222Lys)

Gene: RAD50 (RAD50 double strand break repair protein; plus strand). Cytogenetic location: 5q31.1.
Variant type: single nucleotide variant.
Coding change: c.664G>A on transcript NM_005732.4 (MANE Select); coding-DNA position 664, G replaced by A.
Protein change: p.Glu222Lys; replaces glutamic acid 222 with lysine.
Molecular consequence: missense variant.
Genome position (GRCh38, 1-based): chr5:132,579,974, G>A. VCF-style: chr5-132579974-G-A. GRCh37 (hg19) VCF-style: chr5-131915666-G-A.
Other names: short protein forms E222K.
Identifiers: ClinVar variation 826535 (VCV000826535.15), dbSNP rs1580987692, ClinGen allele CA360936269.
Genomic context (GRCh38, chr5:132,579,974, plus strand): 5'-AAAGTAAAAGAATATCAAATGGAACTAAAATATCTGAAGCAATATAAGGAAAAAGCTTGT[G>A]AGATTCGTGATCAGATTACAAGTAAGGAAGCCCAGTTAACATCTTCAAAGGAAATTGTCA-3'
Protein context (NP_005723.2, residues 212-232): YLKQYKEKAC[Glu222Lys]IRDQITSKEA